The following is an entry in ClinVar:

NM_020320.5(RARS2):c.152A>G (p.Glu51Gly)

Gene: RARS2 (arginyl-tRNA synthetase 2, mitochondrial; minus strand). Cytogenetic location: 6q15.
Variant type: single nucleotide variant.
Coding change: c.152A>G on transcript NM_020320.5 (MANE Select); coding-DNA position 152, A replaced by G.
Protein change: p.Glu51Gly; replaces glutamic acid 51 with glycine.
Molecular consequence: missense variant. On other transcripts: 5 prime UTR variant (7), non-coding transcript variant (23).
Genome position (GRCh38, 1-based): chr6:87,564,191, T>C on the plus strand (A>G on the coding strand, the complement: RARS2 is on the minus strand). VCF-style: chr6-87564191-T-C. GRCh37 (hg19) VCF-style: chr6-88273909-T-C.
Other names: p.E51G:GAA>GGA; c.-318A>G (NM_001318785.2, NM_001350509.2); c.152A>G, p.Glu51Gly (NM_001350505.2); c.-374A>G (NM_001350506.2, NM_001350507.2, NM_001350510.2 and 1 more transcripts); c.-536A>G (NM_001350508.2); short protein forms E51G.
Identifiers: ClinVar variation 215078 (VCV000215078.3), dbSNP rs863224185, ClinGen allele CA325015.

ClinVar aggregate classification (germline): Uncertain significance. Review status: criteria provided, single submitter (1 of 4 stars). 2 submissions from 2 submitters: Uncertain significance (1). 1 of the submissions does not count toward it. Last evaluated 2016-10-11.

Conditions:
Pontocerebellar hypoplasia type 6 (PCH6). Identifiers: Orphanet 166073, MedGen C1969084, MONDO:0012683, OMIM 611523.

Allele frequency attached by ClinVar (database versions not stated): gnomAD 0.00001 and 0.00002; gnomAD exomes 0.00001; TOPMed 0.00003.
gnomAD v4.1: 12 of 1,613,684 alleles (0.00074%); highest among the groups gnomAD compares: Middle Eastern, 0.016%; no homozygotes.

Submissions (2):

GeneDx
Classification: Uncertain significance. Last evaluated: 2016-10-11. Review status: criteria provided, single submitter. Criteria: GeneDx Variant Classification (06012015). Collection method: clinical testing. Allele origin: germline. Affected: yes.
Comment: p.Glu51Gly (GAA>GGA): c.152 A>G in exon 3 of the RARS2 gene (NM_020320.3) A variant of unknown significance has been identified in the RARS2 gene. The E51G variant has not been published as a mutation, nor has it been reported as a benign polymorphism to our knowledge. The E51G variant is a non-conservative amino acid substitution, which is likely to impact secondary protein structure as these residues differ in polarity, charge, size and/or other properties. This substitution occurs at a position that is moderately conserved across species. In silico analysis is inconsistent in its predictions as to whether or not the variant is damaging to the protein structure/function. Therefore, based on the currently available information, it is unclear whether this variant is a pathogenic mutation or a rare benign variant.The variant is found in MITONUC-MITOP panel(s).

Natera, Inc.
Classification: Uncertain significance for Pontocerebellar hypoplasia, type 6. Last evaluated: 2020-09-16. Review status: no assertion criteria provided. Collection method: clinical testing. Allele origin: germline. Not counted in ClinVar's aggregate classification.